The following is an entry in ClinVar:

ClinVar aggregate classification (germline): Conflicting classifications of pathogenicity. Review status: criteria provided, conflicting classifications (1 of 4 stars). 7 submissions from 7 submitters: Uncertain significance (1); Likely benign (6). Last evaluated 2026-01-14.

Conditions:
Lynch syndrome 5 (LYNCH5). Also called: Colorectal cancer, hereditary nonpolyposis, type 5; Hereditary non-polyposis colorectal cancer, type 5. Identifiers: Orphanet 144, MedGen C1833477, MONDO:0013710, OMIM 614350. Disease mechanism: loss of function.
Hereditary cancer-predisposing syndrome. Also called: Tumor predisposition; Neoplastic Syndromes, Hereditary; Hereditary neoplastic syndrome; Hereditary Cancer Syndrome. Identifiers: Orphanet 140162, MedGen C0027672, MeSH D009386, MONDO:0015356.
Endometrial carcinoma. Also called: Endometrial carcinoma, somatic. Identifiers: MedGen C0476089, MONDO:0002447, OMIM 608089, HP:0012114.
Mismatch repair cancer syndrome 3. Identifiers: MedGen C5436807, MONDO:0030841, OMIM 619097.
Hereditary nonpolyposis colorectal neoplasms. Identifiers: MedGen C0009405, MeSH D003123.
Lynch syndrome. Identifiers: Orphanet 144, MedGen C4552100, MONDO:0005835. Disease mechanism: loss of function.

Submissions (7):

Labcorp Genetics (formerly Invitae), Labcorp
Classification: Likely benign for Hereditary nonpolyposis colorectal neoplasms. Last evaluated: 2026-01-14. Review status: criteria provided, single submitter. Criteria: Invitae Variant Classification Sherloc (09022015). Collection method: clinical testing. Allele origin: germline.

Myriad Genetics, Inc.
Classification: Likely benign for Lynch syndrome 5. Last evaluated: 2025-01-08. Review status: criteria provided, single submitter. Criteria: Myriad Autosomal Dominant, Autosomal Recessive and X-Linked Classification Criteria (2023). Collection method: clinical testing. Allele origin: unknown.
Comment: This variant is considered likely benign. This variant is intronic and is not expected to impact mRNA splicing.

Department of Pathology and Laboratory Medicine, Sinai Health System
Classification: Uncertain significance for Endometrial carcinoma; Lynch syndrome 5; Mismatch repair cancer syndrome 3. Last evaluated: 2023-09-25. Review status: criteria provided, single submitter. Criteria: ACMG Guidelines, 2015. Collection method: clinical testing. Allele origin: germline. Affected: yes.

All of Us Research Program, National Institutes of Health
Classification: Likely benign for Lynch syndrome. Last evaluated: 2023-08-28. Review status: criteria provided, single submitter. Criteria: ACMG Guidelines, 2015. Collection method: clinical testing. Allele origin: germline. Inheritance: Autosomal dominant inheritance. Observed: 1 variant allele, 1 heterozygote.
Comment: This study involves interpretation of variants in research participants for the purpose of population health screening. Participant phenotype was not available at the time of variant classification. Additional details can be found in publication PMID: 35346344, PMCID: PMC8962531

Color Diagnostics, LLC DBA Color Health
Classification: Likely benign for Hereditary cancer-predisposing syndrome. Last evaluated: 2020-05-26. Review status: criteria provided, single submitter. Criteria: ACMG Guidelines, 2015. Collection method: clinical testing. Allele origin: germline.

Ambry Genetics
Classification: Likely benign for Hereditary cancer-predisposing syndrome. Last evaluated: 2019-03-14. Review status: criteria provided, single submitter. Criteria: Ambry Variant Classification Scheme 2023. Collection method: clinical testing. Allele origin: germline.

GeneDx
Classification: Likely benign. Last evaluated: 2017-11-01. Review status: criteria provided, single submitter. Criteria: GeneDx Variant Classification (06012015). Collection method: clinical testing. Allele origin: germline. Affected: yes.
Comment: This variant is considered likely benign or benign based on one or more of the following criteria: it is a conservative change, it occurs at a poorly conserved position in the protein, it is predicted to be benign by multiple in silico algorithms, and/or has population frequency not consistent with disease.

NM_000179.3(MSH6):c.3802-8_3802-4dup

Gene: MSH6 (mutS homolog 6; plus strand). Cytogenetic location: 2p16.3.
Variant type: Duplication.
Coding change: c.3802-8_3802-4dup on transcript NM_000179.3 (MANE Select); 8 bases into the intron before coding-DNA position 3802 through 4 bases into the intron before coding-DNA position 3802, 5 bases duplicated (TTCTT; older notation c.3802-8_3802-4dupTTCTT).
Molecular consequence: intron variant.
Genome position (GRCh38, 1-based): chr2:47,806,444-47,806,448, TTCTT duplicated; duplicating any 5 consecutive bases within chr2:47,806,443-47,806,448 gives the same sequence; the c. name uses the placement nearest the transcript's 3' end. VCF-style (leftmost placement, unchanged base first): chr2-47806442-C-CTTTCT. GRCh37 (hg19) VCF-style: chr2-48033581-C-CTTTCT.
Other names: c.2896-8_2896-4dup (NM_001281493.2, NM_001281494.2); c.3412-8_3412-4dup (NM_001281492.2); c.3802-8_3802-4dupTTCTT (NM_000179.2).
Identifiers: ClinVar variation 416184 (VCV000416184.16), dbSNP rs745801834, ClinGen allele CA072093.